The following is an entry in ClinVar:

ClinVar aggregate classification (germline): Uncertain significance. Review status: criteria provided, multiple submitters, no conflicts (2 of 4 stars). 2 submissions from 2 submitters: Uncertain significance (2). Last evaluated 2025-04-07.

Conditions:
Rhabdoid tumor predisposition syndrome 2 (RTPS2). Identifiers: Orphanet 231108, Orphanet 69077, MedGen C2750074, MONDO:0013224, OMIM 613325.

Allele frequency attached by ClinVar (database versions not stated): gnomAD exomes below 0.00001.
gnomAD v4.1: 1 of 1,613,894 alleles (0.000062%); highest among the groups gnomAD compares: Non-Finnish European, 0.000085%; no homozygotes.

Submissions (2):

Labcorp Genetics (formerly Invitae), Labcorp
Classification: Uncertain significance for Rhabdoid tumor predisposition syndrome 2. Last evaluated: 2025-04-07. Review status: criteria provided, single submitter. Criteria: Invitae Variant Classification Sherloc (09022015). Collection method: clinical testing. Allele origin: germline.
Comment: This sequence change replaces methionine, which is neutral and non-polar, with threonine, which is neutral and polar, at codon 79 of the SMARCA4 protein (p.Met79Thr). This variant is not present in population databases (gnomAD no frequency). This variant has not been reported in the literature in individuals affected with SMARCA4-related conditions. ClinVar contains an entry for this variant (Variation ID: 2505754). Invitae Evidence Modeling of protein sequence and biophysical properties (such as structural, functional, and spatial information, amino acid conservation, physicochemical variation, residue mobility, and thermodynamic stability) indicates that this missense variant is not expected to disrupt SMARCA4 protein function with a negative predictive value of 95%. In summary, the available evidence is currently insufficient to determine the role of this variant in disease. Therefore, it has been classified as a Variant of Uncertain Significance.

GeneDx
Classification: Uncertain significance. Last evaluated: 2022-12-14. Review status: criteria provided, single submitter. Criteria: GeneDx Variant Classification Process June 2021. Collection method: clinical testing. Allele origin: germline. Affected: yes.
Comment: Not observed at significant frequency in large population cohorts (gnomAD); In silico analysis supports that this missense variant has a deleterious effect on protein structure/function; Has not been previously published as pathogenic or benign to our knowledge

NM_003072.5(SMARCA4):c.236T>C (p.Met79Thr)

Gene: SMARCA4 (SWI/SNF related BAF chromatin remodeling complex subunit ATPase 4; plus strand). Cytogenetic location: 19p13.2.
Variant type: single nucleotide variant.
Coding change: c.236T>C on transcript NM_003072.5 (MANE Select); coding-DNA position 236, T replaced by C.
Protein change: p.Met79Thr; replaces methionine 79 with threonine.
Molecular consequence: missense variant. On other transcripts: non-coding transcript variant (1).
Genome position (GRCh38, 1-based): chr19:10,985,286, T>C. VCF-style: chr19-10985286-T-C. GRCh37 (hg19) VCF-style: chr19-11095962-T-C.
Other names: c.236T>C, p.Met79Thr (NM_001128844.3, NM_001128845.2, NM_001128846.2 and 6 more transcripts); short protein forms M79T.
Identifiers: ClinVar variation 2505754 (VCV002505754.4), dbSNP rs2145748526, ClinGen allele CA404055099.